The following is an entry in ClinVar:

NM_000059.4(BRCA2):c.9097_9098insG (p.Thr3033fs)

Gene: BRCA2 (BRCA2 DNA repair associated; plus strand). Cytogenetic location: 13q13.1.
Variant type: Insertion.
Coding change: c.9097_9098insG on transcript NM_000059.4 (MANE Select); coding-DNA positions 9097 to 9098, G inserted.
Protein change: p.Thr3033fs; shifts the reading frame from threonine 3033.
Molecular consequence: frameshift variant. On other transcripts: non-coding transcript variant (1).
Genome position: GRCh38 VCF-style: chr13-32379893-A-AG. GRCh37 (hg19) VCF-style: chr13-32954030-A-AG.
Other names: c.9001_9002insG, p.Thr3001fs (NM_001406719.1); c.9046_9047insG, p.Thr3016fs (NM_001406720.1); c.4165_4166insG, p.Thr1389fs (NM_001406721.1); c.2680_2681insG, p.Thr894fs (NM_001406722.1); short protein forms T894fs, T3016fs, T3033fs, T1389fs, T3001fs.
Identifiers: ClinVar variation 3148697 (VCV003148697.1), dbSNP rs1555288494, ClinGen allele CA2825002169.

ClinVar aggregate classification (germline): Pathogenic (1 of 4 stars; one submission).

Conditions:
Breast-ovarian cancer, familial, susceptibility to, 2 (BROVCA2). Also called: BRCA2 Hereditary Breast and Ovarian Cancer. Identifiers: Orphanet 145, MedGen C2675520, MONDO:0012933, OMIM 612555. Disease mechanism: loss of function.

Submission:

Myriad Genetics, Inc.
Classification: Pathogenic for Breast-ovarian cancer, familial, susceptibility to, 2. Last evaluated: 2024-02-07. Review status: criteria provided, single submitter. Criteria: Myriad Autosomal Dominant, Autosomal Recessive and X-Linked Classification Criteria (2023). Collection method: clinical testing. Allele origin: unknown.
Comment: This variant is considered pathogenic. This variant creates a frameshift predicted to result in premature protein truncation.